The following is an entry in ClinVar:

ClinVar aggregate classification (germline): Pathogenic. Review status: reviewed by expert panel (3 of 4 stars). 8 submissions from 8 submitters: Pathogenic (1). 7 of the submissions do not count toward it. Last evaluated 2021-09-24.

Conditions:
CFTR-related disorder (CFTR-RD). Also called: CFTR-related condition; CFTR-related disorders. Identifiers: MedGen C5924204, MONDO:7770004.
Bronchiectasis with or without elevated sweat chloride 1 (BESC1). Also called: Cystic Fibrosis-Like Syndrome. Identifiers: Orphanet 60033, MedGen C2749757, MONDO:0008887, OMIM 211400.
Congenital bilateral aplasia of vas deferens from CFTR mutation (CBAVD). Identifiers: Orphanet 48, MedGen C0403814, MONDO:0010178, OMIM 277180. Disease mechanism: loss of function.
Cystic fibrosis (CF). Also called: MUCOVISCIDOSIS. Identifiers: Orphanet 586, MedGen C0010674, MONDO:0009061, OMIM 219700. Disease mechanism: loss of function.
Hereditary pancreatitis (PCTT). Also called: PRSS1-Related Hereditary Pancreatitis; Hereditary chronic pancreatitis. Identifiers: Orphanet 676, MedGen C0238339, MONDO:0008185, OMIM 167800.

Submissions (8):

CFTR2
Classification: Pathogenic for Cystic fibrosis. Last evaluated: 2021-09-24. Review status: reviewed by expert panel. Criteria: Submitter's publication and website. Collection method: research. Allele origin: germline. Affected: yes.

Fulgent Genetics
Classification: Likely pathogenic for Hereditary pancreatitis; Bronchiectasis with or without elevated sweat chloride 1; Cystic fibrosis; Congenital bilateral aplasia of vas deferens from CFTR mutation. Last evaluated: 2024-04-18. Review status: criteria provided, single submitter. Criteria: ACMG Guidelines, 2015. Collection method: clinical testing. Allele origin: germline. Not counted in ClinVar's aggregate classification.

Women's Health and Genetics/Laboratory Corporation of America, LabCorp
Classification: Pathogenic for Cystic fibrosis. Last evaluated: 2022-11-27. Review status: criteria provided, single submitter. Criteria: LabCorp Variant Classification Summary - May 2015. Collection method: clinical testing. Allele origin: germline. Not counted in ClinVar's aggregate classification.
Comment: Variant summary: CFTR c.168delA (p.Glu56AspfsX35) results in a premature termination codon, predicted to cause a truncation of the encoded protein or absence of the protein due to nonsense mediated decay, which are commonly known mechanisms for disease. Truncations downstream of this position have been classified as pathogenic by our laboratory. The variant was absent in 250694 control chromosomes (gnomAD). c.168delA has been reported in the literature in several individuals affected with Cystic Fibrosis (e.g. Claustres_1993, Schwarz_1995, Claustres_2000, des Georges_2004). These data indicate that the variant is likely to be associated with disease. To our knowledge, no experimental evidence demonstrating an impact on protein function has been reported. Five ClinVar submitters, including one expert panel (CFTR2), have assessed the variant since 2014: all five classified the variant as pathogenic. Based on the evidence outlined above, the variant was classified as pathogenic.

Quest Diagnostics Nichols Institute San Juan Capistrano
Classification: Pathogenic. Last evaluated: 2019-12-24. Review status: criteria provided, single submitter. Criteria: Quest Diagnostics criteria. Collection method: clinical testing. Allele origin: unknown. Not counted in ClinVar's aggregate classification.
Comment: The variant results in a shift of the reading frame, and is therefore predicted to result in the loss of a functional protein. Found in at least one patient with expected phenotype for this gene, and not found in general population data.

Johns Hopkins Genomics, Johns Hopkins University
Classification: Pathogenic for Cystic fibrosis. Last evaluated: 2019-10-04. Review status: criteria provided, single submitter. Criteria: ACMG Guidelines, 2015. Collection method: clinical testing. Allele origin: germline. Not counted in ClinVar's aggregate classification.
Comment: This frameshift variant results in a premature stop codon in exon 3 likely leading to nonsense-mediated decay and lack of protein production. This CFTR variant is absent from large population datasets and is reported in ClinVar, however, no classification is provided. CFTR c.168delA has been identified in multiple cystic fibrosis patients who also carry a second pathogenic variant. We consider this variant to be pathogenic.

CFTR-France
Classification: Pathogenic for cystic fibrosis. Last evaluated: 2018-01-29. Review status: criteria provided, single submitter. Criteria: Claustres M et al. (Hum Mutat 2017). Collection method: curation. Allele origin: germline. Affected: yes. Not counted in ClinVar's aggregate classification.

Natera, Inc.
Classification: Pathogenic for CFTR-related disorders. Last evaluated: 2017-03-17. Review status: no assertion criteria provided. Collection method: clinical testing. Allele origin: germline. Not counted in ClinVar's aggregate classification.

ClinVar Staff, National Center for Biotechnology Information (NCBI)
No classification provided. Condition: CFTR-related disorders. Review status: no classification provided. Collection method: literature only. Allele origin: germline. Affected: yes. Not counted in ClinVar's aggregate classification.

Literature cited by the submitters: PubMed 10923036 (cited by Women's Health and Genetics/Laboratory Corporation of America, LabCorp); PubMed 7691344 (cited by Women's Health and Genetics/Laboratory Corporation of America, LabCorp and Quest Diagnostics Nichols Institute San Juan Capistrano); PubMed 15698946 (cited by 3 submitters); PubMed 8680406 (cited by Women's Health and Genetics/Laboratory Corporation of America, LabCorp).

NM_000492.4(CFTR):c.168del (p.Glu56fs)

Genes: CFTR (CF transmembrane conductance regulator; plus strand), LOC113664106 (CFTR intron 2 DNase I hypersensitive site; plus strand). Cytogenetic location: 7q31.2.
Variant type: Deletion.
Coding change: c.168del on transcript NM_000492.4 (MANE Select); coding-DNA position 168, one base deleted (A; older notation c.168delA).
Protein change: p.Glu56fs; shifts the reading frame from glutamic acid 56.
Molecular consequence: frameshift variant.
Genome position (GRCh38, 1-based): chr7:117,509,037, A deleted; the last of 2 consecutive A bases (chr7:117,509,036-117,509,037); deleting either gives the same sequence. VCF-style (leftmost placement, unchanged base first): chr7-117509035-GA-G. GRCh37 (hg19) VCF-style: chr7-117149089-GA-G.
Other names: p.Glu56AspfsX35; c.168delA (NM_000492.3); short protein forms E56fs.
Identifiers: ClinVar variation 53343 (VCV000053343.8), dbSNP rs397508269, ClinGen allele CA326610.